The following is an entry in ClinVar:

NM_032119.4(ADGRV1):c.11730A>T (p.Arg3910Ser)

Gene: ADGRV1 (adhesion G protein-coupled receptor V1; plus strand). Cytogenetic location: 5q14.3.
Variant type: single nucleotide variant.
Coding change: c.11730A>T on transcript NM_032119.4 (MANE Select); coding-DNA position 11730, A replaced by T.
Protein change: p.Arg3910Ser; replaces arginine 3910 with serine.
Molecular consequence: missense variant. On other transcripts: non-coding transcript variant (1).
Genome position (GRCh38, 1-based): chr5:90,756,603, A>T. VCF-style: chr5-90756603-A-T. GRCh37 (hg19) VCF-style: chr5-90052420-A-T.
Other names: short protein forms R3910S.
Identifiers: ClinVar variation 1041601 (VCV001041601.8), dbSNP rs1755858191, ClinGen allele CA360370192.
Genomic context (GRCh38, chr5:90,756,603, plus strand): 5'-TGTGCGGAGGCCCGGAATGGAAATAGCTGAGATAATGATAGAAGAAAATGACGATCCCAG[A>T]GGAATTTTTATGTTTCATGTTACTAGAGTGAGATGAACTTTCATTTGTTTACAGTCATAC-3'
Protein context (NP_115495.3, residues 3900-3920): EIMIEENDDP[Arg3910Ser]GIFMFHVTRG

ClinVar aggregate classification (germline): Uncertain significance (1 of 4 stars; one submission).

Allele frequency attached by ClinVar (database versions not stated): TOPMed below 0.00001.

Submission:

Labcorp Genetics (formerly Invitae), Labcorp
Classification: Uncertain significance. Last evaluated: 2022-03-09. Review status: criteria provided, single submitter. Criteria: Invitae Variant Classification Sherloc (09022015). Collection method: clinical testing. Allele origin: germline.
Comment: In summary, the available evidence is currently insufficient to determine the role of this variant in disease. Therefore, it has been classified as a Variant of Uncertain Significance. Algorithms developed to predict the effect of missense changes on protein structure and function are either unavailable or do not agree on the potential impact of this missense change (SIFT: "Deleterious"; PolyPhen-2: "Possibly Damaging"; Align-GVGD: "Class C0"). ClinVar contains an entry for this variant (Variation ID: 1041601). This variant has not been reported in the literature in individuals affected with ADGRV1-related conditions. This variant is not present in population databases (gnomAD no frequency). This sequence change replaces arginine, which is basic and polar, with serine, which is neutral and polar, at codon 3910 of the ADGRV1 protein (p.Arg3910Ser).